The following is an entry in ClinVar:

NM_201384.3(PLEC):c.5272G>A (p.Ala1758Thr)

Gene: PLEC (plectin; minus strand). Cytogenetic location: 8q24.3.
Variant type: single nucleotide variant.
Coding change: c.5272G>A on transcript NM_201384.3 (MANE Select); coding-DNA position 5272, G replaced by A.
Protein change: p.Ala1758Thr; replaces alanine 1758 with threonine.
Molecular consequence: missense variant.
Genome position (GRCh38, 1-based): chr8:143,924,657, C>T on the plus strand (G>A on the coding strand, the complement: PLEC is on the minus strand). VCF-style: chr8-143924657-C-T. GRCh37 (hg19) VCF-style: chr8-144998825-C-T.
Other names: c.5353G>A, p.Ala1785Thr (NM_000445.5); c.5230G>A, p.Ala1744Thr (NM_201378.4); c.5206G>A, p.Ala1736Thr (NM_201379.3); c.5683G>A, p.Ala1895Thr (NM_201380.4); c.5176G>A, p.Ala1726Thr (NM_201381.3); c.5272G>A, p.Ala1758Thr (NM_201382.4); c.5284G>A, p.Ala1762Thr (NM_201383.3); short protein forms A1726T, A1736T, A1744T, A1758T, A1762T, A1785T, A1895T.
Identifiers: ClinVar variation 2434980 (VCV002434980.6), dbSNP rs1231630450, ClinGen allele CA372546714.

ClinVar aggregate classification (germline): Uncertain significance. Review status: criteria provided, multiple submitters, no conflicts (2 of 4 stars). 2 submissions from 2 submitters: Uncertain significance (2). Last evaluated 2022-11-19.

Conditions:
Epidermolysis bullosa simplex 5B, with muscular dystrophy (EBS5B). Also called: EPIDERMOLYSIS BULLOSA SIMPLEX AND LIMB-GIRDLE MUSCULAR DYSTROPHY; Epidermolysis bullosa simplex with muscular dystrophy. Identifiers: Orphanet 257, MedGen C2931072, MONDO:0009181, OMIM 226670.
Epidermolysis bullosa simplex with nail dystrophy (EBS5D). Identifiers: MedGen C4225309, MONDO:0014661, OMIM 616487.
Epidermolysis bullosa simplex 5C, with pyloric atresia (EBS5C). Also called: PLEC-Related Epidermolysis Bullosa with Pyloric Atresia; Epidermolysis bullosa simplex with pyloric atresia; PLEC1-Related Epidermolysis Bullosa with Pyloric Atresia. Identifiers: Orphanet 158684, MedGen C2677349, MONDO:0012807, OMIM 612138.
Autosomal recessive limb-girdle muscular dystrophy type 2Q (LGMDR17). Also called: MUSCULAR DYSTROPHY, LIMB-GIRDLE, AUTOSOMAL RECESSIVE 17. Identifiers: Orphanet 254361, MedGen C3150989, MONDO:0013390, OMIM 613723.
Epidermolysis bullosa simplex, Ogna type (EBS5A). Also called: EPIDERMOLYSIS BULLOSA SIMPLEX 5A, OGNA TYPE; Pidermolysis bullosa simplex 5A, Ogna type. Identifiers: Orphanet 79401, MedGen C0432317, MONDO:0007555, OMIM 131950.

Allele frequency attached by ClinVar (database versions not stated): gnomAD 0.00001; TOPMed 0.00001.
gnomAD v4.1: 29 of 1,536,334 alleles (0.0019%); highest among the groups gnomAD compares: East Asian, 0.0049%; no homozygotes.

Submissions (2):

Labcorp Genetics (formerly Invitae), Labcorp
Classification: Uncertain significance for Autosomal recessive limb-girdle muscular dystrophy type 2Q; Epidermolysis bullosa simplex, Ogna type; Epidermolysis bullosa simplex with nail dystrophy; Epidermolysis bullosa simplex 5C, with pyloric atresia; Epidermolysis bullosa simplex 5B, with muscular dystrophy. Last evaluated: 2022-11-19. Review status: criteria provided, single submitter. Criteria: Invitae Variant Classification Sherloc (09022015). Collection method: clinical testing. Allele origin: germline.
Comment: This sequence change replaces alanine, which is neutral and non-polar, with threonine, which is neutral and polar, at codon 1785 of the PLEC protein (p.Ala1785Thr). The frequency data for this variant in the population databases is considered unreliable, as metrics indicate poor data quality at this position in the gnomAD database. This variant has not been reported in the literature in individuals affected with PLEC-related conditions. Algorithms developed to predict the effect of missense changes on protein structure and function are either unavailable or do not agree on the potential impact of this missense change (SIFT: "Tolerated"; PolyPhen-2: "Not Available"; Align-GVGD: "Class C0"). In summary, the available evidence is currently insufficient to determine the role of this variant in disease. Therefore, it has been classified as a Variant of Uncertain Significance.

Revvity Omics, Revvity
Classification: Uncertain significance. Last evaluated: 2022-05-16. Review status: criteria provided, single submitter. Criteria: ACMG Guidelines, 2015. Collection method: clinical testing. Allele origin: germline.